The following is an entry in ClinVar:

NM_152743.4(BRAT1):c.232C>T (p.Arg78Cys)

Gene: BRAT1 (BRCA1 associated ATM activator 1; minus strand). Cytogenetic location: 7p22.3.
Variant type: single nucleotide variant.
Coding change: c.232C>T on transcript NM_152743.4 (MANE Select); coding-DNA position 232, C replaced by T.
Protein change: p.Arg78Cys; replaces arginine 78 with cysteine.
Molecular consequence: missense variant. On other transcripts: 5 prime UTR variant (1), non-coding transcript variant (1).
Genome position (GRCh38, 1-based): chr7:2,547,374, G>A on the plus strand (C>T on the coding strand, the complement: BRAT1 is on the minus strand). VCF-style: chr7-2547374-G-A. GRCh37 (hg19) VCF-style: chr7-2587008-G-A.
Other names: c.232C>T, p.Arg78Cys (NM_001350626.2); c.-146C>T (NM_001350627.2); short protein forms R78C.
Identifiers: ClinVar variation 1051068 (VCV001051068.8), dbSNP rs759508345, ClinGen allele CA4128275.

ClinVar aggregate classification (germline): Uncertain significance. Review status: criteria provided, multiple submitters, no conflicts (2 of 4 stars). 2 submissions from 2 submitters: Uncertain significance (2). Last evaluated 2021-08-24.

Conditions:
Neurodevelopmental disorder with cerebellar atrophy and with or without seizures. Identifiers: MedGen C4748032, MONDO:0020841, OMIM 618056.
Neonatal-onset encephalopathy with rigidity and seizures. Also called: Lethal neonatal spasticity-epileptic encephalopathy syndrome. Identifiers: Orphanet 435845, MedGen C3281029, MONDO:0013784, OMIM 614498.

Allele frequency attached by ClinVar (database versions not stated): gnomAD exomes below 0.00001 and 0.00001; ExAC 0.00001; TOPMed 0.00001; gnomAD 0.00002.
gnomAD v4.1: 12 of 1,613,990 alleles (0.00074%); highest among the groups gnomAD compares: Middle Eastern, 0.016%; no homozygotes.

Submissions (2):

Labcorp Genetics (formerly Invitae), Labcorp
Classification: Uncertain significance for Neonatal-onset encephalopathy with rigidity and seizures. Last evaluated: 2021-08-24. Review status: criteria provided, single submitter. Criteria: Invitae Variant Classification Sherloc (09022015). Collection method: clinical testing. Allele origin: germline.
Comment: This sequence change replaces arginine with cysteine at codon 78 of the BRAT1 protein (p.Arg78Cys). The arginine residue is highly conserved and there is a large physicochemical difference between arginine and cysteine. This variant is present in population databases (rs759508345, ExAC 0.01%). This variant has not been reported in the literature in individuals affected with BRAT1-related conditions. Algorithms developed to predict the effect of missense changes on protein structure and function output the following: SIFT: "Deleterious"; PolyPhen-2: "Benign"; Align-GVGD: "Class C55". The cysteine amino acid residue is found in multiple mammalian species, which suggests that this missense change does not adversely affect protein function. In summary, the available evidence is currently insufficient to determine the role of this variant in disease. Therefore, it has been classified as a Variant of Uncertain Significance.

Kasturba Medical College, Manipal, Kasturba Medical College, Manipal, Manipal Academy of Higher Education, Manipal, India
Classification: Uncertain significance for Neurodevelopmental disorder with cerebellar atrophy and with or without seizures. Review status: criteria provided, single submitter. Criteria: ACMG Guidelines, 2015. Collection method: clinical testing. Allele origin: germline. Affected: yes.